The following is an entry in ClinVar:

NM_003151.4(STAT4):c.719G>A (p.Arg240Gln)

Gene: STAT4 (signal transducer and activator of transcription 4; minus strand). Cytogenetic location: 2q32.2.
Variant type: single nucleotide variant.
Coding change: c.719G>A on transcript NM_003151.4 (MANE Select); coding-DNA position 719, G replaced by A.
Protein change: p.Arg240Gln; replaces arginine 240 with glutamine.
Molecular consequence: missense variant.
Genome position (GRCh38, 1-based): chr2:191,064,870, C>T on the plus strand (G>A on the coding strand, the complement: STAT4 is on the minus strand). VCF-style: chr2-191064870-C-T. GRCh37 (hg19) VCF-style: chr2-191929596-C-T.
Other names: c.719G>A, p.Arg240Gln (NM_001243835.2); c.719G>A (NM_003151.3); short protein forms R240Q.
Identifiers: ClinVar variation 1644768 (VCV001644768.34), dbSNP rs61756200, ClinGen allele CA2030809.

ClinVar aggregate classification (germline): Likely benign. Review status: criteria provided, multiple submitters, no conflicts (2 of 4 stars). 4 submissions from 4 submitters: Likely benign (3). 1 of the submissions does not count toward it. Last evaluated 2026-02-01.

Conditions:
STAT4-related disorder. Also called: STAT4-related condition.

Allele frequency attached by ClinVar (database versions not stated): 1000 Genomes Project 30x 0.00031; 1000 Genomes Project 0.00040; ExAC 0.00143; ESP Exome Variant Server 0.00192.
gnomAD v4.1: 3,652 of 1,613,314 alleles (0.23%); highest among the groups gnomAD compares: Non-Finnish European, 0.29%; 5 homozygotes.

Submissions (4):

Labcorp Genetics (formerly Invitae), Labcorp
Classification: Likely benign. Last evaluated: 2026-02-01. Review status: criteria provided, single submitter. Criteria: Invitae Variant Classification Sherloc (09022015). Collection method: clinical testing. Allele origin: germline.

CeGaT Center for Human Genetics Tuebingen
Classification: Likely benign. Last evaluated: 2026-01-01. Review status: criteria provided, single submitter. Criteria: CeGaT Center For Human Genetics Tuebingen Variant Classification Criteria Version 2. Collection method: clinical testing. Allele origin: germline. Affected: yes. Observed: 4 variant alleles.
Comment: STAT4: BP4

Breakthrough Genomics
Classification: Likely benign. Review status: criteria provided, single submitter. Criteria: ACMG Guidelines, 2015. Collection method: not provided. Allele origin: germline. Inheritance: Unknown mechanism. Affected: yes.

PreventionGenetics, part of Exact Sciences
Classification: Likely benign for STAT4-related condition. Last evaluated: 2022-06-16. Review status: no assertion criteria provided. Collection method: clinical testing. Allele origin: germline. Not counted in ClinVar's aggregate classification.
Comment: This variant is classified as likely benign based on ACMG/AMP sequence variant interpretation guidelines (Richards et al. 2015 PMID: 25741868, with internal and published modifications).